The following is an entry in ClinVar:

ClinVar aggregate classification (germline): Uncertain significance (1 of 4 stars; one submission).

Conditions:
RASopathy. Also called: rasopathies; Noonan spectrum disorder. Identifiers: Orphanet 536391, MedGen C5555857, MONDO:0021060.

Submission:

Labcorp Genetics (formerly Invitae), Labcorp
Classification: Uncertain significance for RASopathy. Last evaluated: 2025-11-12. Review status: criteria provided, single submitter. Criteria: Invitae Variant Classification Sherloc (09022015). Collection method: clinical testing. Allele origin: germline.
Comment: This sequence change replaces arginine, which is basic and polar, with lysine, which is basic and polar, at codon 575 of the BRAF protein (p.Arg575Lys). This variant is not present in population databases (gnomAD no frequency). This missense change has been observed in individual(s) with BRAF-related conditions (internal data). It has also been observed to segregate with disease in related individuals. Invitae Evidence Modeling of protein sequence and biophysical properties (such as structural, functional, and spatial information, amino acid conservation, physicochemical variation, residue mobility, and thermodynamic stability) indicates that this missense variant is not expected to disrupt BRAF protein function with a negative predictive value of 80%. In summary, the available evidence is currently insufficient to determine the role of this variant in disease. Therefore, it has been classified as a Variant of Uncertain Significance.

NM_004333.6(BRAF):c.1724G>A (p.Arg575Lys)

Gene: BRAF (B-Raf proto-oncogene, serine/threonine kinase; minus strand). Cytogenetic location: 7q34.
Variant type: single nucleotide variant.
Coding change: c.1724G>A on transcript NM_004333.6 (MANE Select); coding-DNA position 1724, G replaced by A.
Protein change: p.Arg575Lys; replaces arginine 575 with lysine.
Molecular consequence: missense variant.
Genome position (GRCh38, 1-based): chr7:140,754,204, C>T on the plus strand (G>A on the coding strand, the complement: BRAF is on the minus strand). VCF-style: chr7-140754204-C-T. GRCh37 (hg19) VCF-style: chr7-140454004-C-T.
Other names: c.1724G>A, p.Arg575Lys (NM_001354609.2, NM_001378468.1, NM_001378474.1); c.1844G>A, p.Arg615Lys (NM_001374244.1, NM_001374258.1); c.1733G>A, p.Arg578Lys (NM_001378467.1); c.1658G>A, p.Arg553Lys (NM_001378469.1); c.1622G>A, p.Arg541Lys (NM_001378470.1); c.1613G>A, p.Arg538Lys (NM_001378471.1); c.1568G>A, p.Arg523Lys (NM_001378472.1, NM_001378473.1); c.1460G>A, p.Arg487Lys (NM_001378475.1); short protein forms R541K, R615K, R487K, R523K, R538K, R553K, R575K, R578K.
Identifiers: ClinVar variation 4690668 (VCV004690668.1).